The following is an entry in ClinVar:

NM_016203.4(PRKAG2):c.406C>T (p.Pro136Ser)

Gene: PRKAG2 (protein kinase AMP-activated non-catalytic subunit gamma 2; minus strand). Cytogenetic location: 7q36.1.
Variant type: single nucleotide variant.
Coding change: c.406C>T on transcript NM_016203.4 (MANE Select); coding-DNA position 406, C replaced by T.
Protein change: p.Pro136Ser; replaces proline 136 with serine.
Molecular consequence: missense variant.
Genome position (GRCh38, 1-based): chr7:151,781,212, G>A on the plus strand (C>T on the coding strand, the complement: PRKAG2 is on the minus strand). VCF-style: chr7-151781212-G-A. GRCh37 (hg19) VCF-style: chr7-151478298-G-A.
Other names: c.274C>T, p.Pro92Ser (NM_001040633.2); short protein forms P92S, P136S.
Identifiers: ClinVar variation 1046084 (VCV001046084.9), dbSNP rs1386603764, ClinGen allele CA370069384.

ClinVar aggregate classification (germline): Uncertain significance. Review status: criteria provided, multiple submitters, no conflicts (2 of 4 stars). 2 submissions from 2 submitters: Uncertain significance (2). Last evaluated 2023-06-26.

Conditions:
Hypertrophic cardiomyopathy. Also called: HYPERTROPHIC MYOCARDIOPATHY. Identifiers: Orphanet 217569, MedGen C0007194, MeSH D002312, MONDO:0005045, HP:0001639.
Lethal congenital glycogen storage disease of heart. Also called: PHOSPHORYLASE KINASE DEFICIENCY OF HEART; GLYCOGEN STORAGE DISEASE OF HEART. Identifiers: Orphanet 439854, MedGen C1849813, MONDO:0009867, OMIM 261740.

Submissions (2):

All of Us Research Program, National Institutes of Health
Classification: Uncertain significance for Hypertrophic cardiomyopathy. Last evaluated: 2023-06-26. Review status: criteria provided, single submitter. Criteria: ACMG Guidelines, 2015. Collection method: clinical testing. Allele origin: germline. Inheritance: Autosomal dominant inheritance. Observed: 1 variant allele, 1 heterozygote.
Comment: This missense variant replaces proline with serine at codon 136 of the PRKAG2 protein. Computational prediction suggests that this variant may not impact protein structure and function (internally defined REVEL score threshold <= 0.5, PMID: 27666373). To our knowledge, functional studies have not been reported for this variant. This variant has not been reported in individuals affected with PRKAG2-related disorders in the literature. This variant has not been identified in the general population by the Genome Aggregation Database (gnomAD). The available evidence is insufficient to determine the role of this variant in disease conclusively. Therefore, this variant is classified as a Variant of Uncertain Significance.

This study involves interpretation of variants in research participants for the purpose of population health screening. Participant phenotype was not available at the time of variant classification. Additional details can be found in publication PMID: 35346344, PMCID: PMC8962531

Labcorp Genetics (formerly Invitae), Labcorp
Classification: Uncertain significance for Lethal congenital glycogen storage disease of heart. Last evaluated: 2020-08-14. Review status: criteria provided, single submitter. Criteria: Invitae Variant Classification Sherloc (09022015). Collection method: clinical testing. Allele origin: germline.
Comment: This variant is not present in population databases (ExAC no frequency). This sequence change replaces proline with serine at codon 136 of the PRKAG2 protein (p.Pro136Ser). The proline residue is moderately conserved and there is a moderate physicochemical difference between proline and serine. This variant has not been reported in the literature in individuals with PRKAG2-related conditions. Advanced modeling of protein sequence and biophysical properties (such as structural, functional, and spatial information, amino acid conservation, physicochemical variation, residue mobility, and thermodynamic stability) performed at Invitae indicates that this missense variant is not expected to disrupt PRKAG2 protein function. In summary, the available evidence is currently insufficient to determine the role of this variant in disease. Therefore, it has been classified as a Variant of Uncertain Significance.